The following is an entry in ClinVar:

ClinVar aggregate classification (germline): Benign/Likely benign. Review status: criteria provided, multiple submitters, no conflicts (2 of 4 stars). 2 submissions from 2 submitters: Benign (1); Likely benign (1). Last evaluated 2025-02-24.

Conditions:
Hereditary cancer-predisposing syndrome. Also called: Neoplastic Syndromes, Hereditary; Tumor predisposition; Hereditary Cancer Syndrome; Hereditary neoplastic syndrome. Identifiers: Orphanet 140162, MedGen C0027672, MeSH D009386, MONDO:0015356.
Breast-ovarian cancer, familial, susceptibility to, 4. Identifiers: Orphanet 145, MedGen C3280345, MONDO:0013669, OMIM 614291.

gnomAD v4.1: 1 of 1,614,098 alleles (0.000062%); highest among the groups gnomAD compares: African/African-American, 0.0013%; no homozygotes.

Submissions (2):

Myriad Genetics, Inc.
Classification: Benign for Breast-ovarian cancer, familial, susceptibility to, 4. Last evaluated: 2025-02-24. Review status: criteria provided, single submitter. Criteria: Myriad Autosomal Dominant, Autosomal Recessive and X-Linked Classification Criteria (2023). Collection method: clinical testing. Allele origin: unknown.
Comment: This variant is considered benign. This variant is a silent/synonymous amino acid change and it is not expected to impact splicing.

Ambry Genetics
Classification: Likely benign for Hereditary cancer-predisposing syndrome. Last evaluated: 2022-08-30. Review status: criteria provided, single submitter. Criteria: Ambry Variant Classification Scheme 2023. Collection method: clinical testing. Allele origin: germline.

NM_002878.4(RAD51D):c.816C>G (p.Pro272=)

Genes: RAD51L3-RFFL (RAD51L3-RFFL readthrough; minus strand), RAD51D (RAD51 paralog D; minus strand). Cytogenetic location: 17q12.
Variant type: single nucleotide variant.
Coding change: c.816C>G on transcript NM_002878.4 (MANE Select); coding-DNA position 816, C replaced by G.
Protein change: p.Pro272=; no amino-acid change (proline 272 retained).
Molecular consequence: synonymous variant. On other transcripts: non-coding transcript variant (3).
Genome position (GRCh38, 1-based): chr17:35,101,288, G>C on the plus strand (C>G on the coding strand, the complement: RAD51D is on the minus strand). VCF-style: chr17-35101288-G-C. GRCh37 (hg19) VCF-style: chr17-33428307-G-C.
Other names: c.876C>G, p.Pro292= (NM_001142571.2); c.480C>G, p.Pro160= (NM_133629.3).
Identifiers: ClinVar variation 1762259 (VCV001762259.3), dbSNP rs565863781, ClinGen allele CA499728800.
Genomic context (GRCh38, chr17:35,101,288, plus strand): 5'-CATGCGCCGGCCGCCTGATGCTCCTGCTCCCTCGATGGTGTCCAGGAGAATCCGAGTGCT[G>C]GGCACAAAGCTCCAGGAGCGTCCGAGGGCAGGTTTGAGCCTCCCGCTGTCCCTGTCTCGA-3'
Protein context (NP_002869.3, residues 262-282): PALGRSWSFV[Pro272=]STRILLDTIE